The following is an entry in ClinVar:

NM_032119.4(ADGRV1):c.13549A>C (p.Ile4517Leu)

Gene: ADGRV1 (adhesion G protein-coupled receptor V1; plus strand). Cytogenetic location: 5q14.3.
Variant type: single nucleotide variant.
Coding change: c.13549A>C on transcript NM_032119.4 (MANE Select); coding-DNA position 13549, A replaced by C.
Protein change: p.Ile4517Leu; replaces isoleucine 4517 with leucine.
Molecular consequence: missense variant. On other transcripts: non-coding transcript variant (1).
Genome position (GRCh38, 1-based): chr5:90,783,953, A>C. VCF-style: chr5-90783953-A-C. GRCh37 (hg19) VCF-style: chr5-90079770-A-C.
Other names: short protein forms I4517L.
Identifiers: ClinVar variation 1380086 (VCV001380086.8), dbSNP rs778908807, ClinGen allele CA360395054.

ClinVar aggregate classification (germline): Uncertain significance (1 of 4 stars; one submission).

Submission:

Labcorp Genetics (formerly Invitae), Labcorp
Classification: Uncertain significance. Last evaluated: 2021-05-05. Review status: criteria provided, single submitter. Criteria: Invitae Variant Classification Sherloc (09022015). Collection method: clinical testing. Allele origin: germline.
Comment: This sequence change replaces isoleucine with leucine at codon 4517 of the ADGRV1 protein (p.Ile4517Leu). The isoleucine residue is weakly conserved and there is a small physicochemical difference between isoleucine and leucine. This variant is not present in population databases (ExAC no frequency). This variant has not been reported in the literature in individuals with ADGRV1-related conditions. Algorithms developed to predict the effect of missense changes on protein structure and function output the following: SIFT: "Tolerated"; PolyPhen-2: "Benign"; Align-GVGD: "Class C0". The leucine amino acid residue is found in multiple mammalian species, suggesting that this missense change does not adversely affect protein function. These predictions have not been confirmed by published functional studies and their clinical significance is uncertain. In summary, the available evidence is currently insufficient to determine the role of this variant in disease. Therefore, it has been classified as a Variant of Uncertain Significance.